The following is an entry in ClinVar:

NM_014946.4(SPAST):c.1394_1400dup (p.Glu468fs)

Gene: SPAST (spastin; plus strand). Cytogenetic location: 2p22.3.
Variant type: Duplication.
Coding change: c.1394_1400dup on transcript NM_014946.4 (MANE Select); coding-DNA positions 1394 to 1400, 7 bases duplicated (TTCTAAT; older notation c.1394_1400dupTTCTAAT).
Protein change: p.Glu468fs; shifts the reading frame from glutamic acid 468.
Molecular consequence: frameshift variant.
Genome position (GRCh38, 1-based): chr2:32,136,949-32,136,955, TTCTAAT duplicated; duplicating any 7 consecutive bases within chr2:32,136,946-32,136,955 gives the same sequence; the c. name uses the placement nearest the transcript's 3' end. VCF-style (leftmost placement, unchanged base first): chr2-32136945-G-GAATTTCT. GRCh37 (hg19) VCF-style: chr2-32362014-G-GAATTTCT.
Other names: c.1391_1397dup, p.Glu467fs (NM_001363823.2); c.1295_1301dup, p.Glu435fs (NM_001363875.2); c.1298_1304dup, p.Glu436fs (NM_001377959.1, NM_199436.2); short protein forms E435fs, E436fs, E467fs, E468fs.
Identifiers: ClinVar variation 1208214 (VCV001208214.3), dbSNP rs2148754064, ClinGen allele CA2499215909.

ClinVar aggregate classification (germline): Likely pathogenic (1 of 4 stars; one submission).

Submission:

GeneDx
Classification: Likely pathogenic. Last evaluated: 2019-07-30. Review status: criteria provided, single submitter. Criteria: GeneDx Variant Classification Process June 2021. Collection method: clinical testing. Allele origin: germline. Affected: yes.
Comment: Frameshift variant predicted to result in protein truncation or nonsense mediated decay in a gene for which loss-of-function is a known mechanism of disease; Not observed in large population cohorts (Lek et al., 2016); Has not been previously published as pathogenic or benign to our knowledge